The following is an entry in ClinVar:

NM_014363.6(SACS):c.7788del (p.Phe2596fs)

Gene: SACS (sacsin molecular chaperone; minus strand). Cytogenetic location: 13q12.12.
Variant type: Deletion.
Coding change: c.7788del on transcript NM_014363.6 (MANE Select); coding-DNA position 7788, one base deleted (T; older notation c.7788delT).
Protein change: p.Phe2596fs; shifts the reading frame from phenylalanine 2596.
Molecular consequence: frameshift variant.
Genome position (GRCh38, 1-based): chr13:23,336,088, A deleted on the plus strand (T on the coding strand, the reverse complement: SACS is on the minus strand); the first of 3 consecutive A bases (chr13:23,336,088-23,336,090); deleting any one gives the same sequence. VCF-style (leftmost placement, unchanged base first): chr13-23336087-TA-T. GRCh37 (hg19) VCF-style: chr13-23910226-TA-T.
Other names: c.7347del, p.Phe2449fs (NM_001278055.2); c.7788del (NM_014363.5); short protein forms F2449fs, F2596fs.
Identifiers: ClinVar variation 371043 (VCV000371043.13), dbSNP rs1057516959, ClinGen allele CA16041618.

ClinVar aggregate classification (germline): Pathogenic/Likely pathogenic. Review status: criteria provided, multiple submitters, no conflicts (2 of 4 stars). 5 submissions from 5 submitters: Pathogenic (1); Likely pathogenic (3). 1 of the submissions does not count toward it. Last evaluated 2025-10-27.

Conditions:
Spastic paraplegia. Identifiers: MedGen C0037772, HP:0001258.
Charlevoix-Saguenay spastic ataxia (SACS). Also called: Spastic ataxia of Charlevoix-Saguenay; SPASTIC ATAXIA 6, AUTOSOMAL RECESSIVE; AUTOSOMAL RECESSIVE SPASTIC ATAXIA OF CHARLEVOIX-SAGUENAY. Identifiers: Orphanet 98, MedGen C1849140, MONDO:0010041, OMIM 270550.

Submissions (5):

Natera, Inc.
Classification: Likely pathogenic for Charlevoix-Saguenay type spastic ataxia. Last evaluated: 2025-10-27. Review status: criteria provided, single submitter. Criteria: Natera Variant Classification Schema (03/2026). Collection method: clinical testing. Allele origin: germline.
Comment: The c.7788del variant in SACS is a frameshift variant predicted to shift the reading frame beginning at codon 2596 and leads to a stop codon 29 codons downstream. This variant is expected to result in nonsense mediated decay, truncation, or a dysfunctional protein product. This variant is rare in the general population with a frequency below the threshold expected for the associated phenotype(s). Given the available evidence, this variant is classified as Likely Pathogenic.

Baylor Genetics
Classification: Likely pathogenic for Charlevoix-Saguenay spastic ataxia. Last evaluated: 2024-02-05. Review status: criteria provided, single submitter. Criteria: ACMG Guidelines, 2015. Collection method: clinical testing. Allele origin: unknown.

Labcorp Genetics (formerly Invitae), Labcorp
Classification: Pathogenic for Spastic paraplegia. Last evaluated: 2022-10-04. Review status: criteria provided, single submitter. Criteria: Invitae Variant Classification Sherloc (09022015). Collection method: clinical testing. Allele origin: germline.
Comment: For these reasons, this variant has been classified as Pathogenic. This variant disrupts a region of the SACS protein in which other variant(s) (p.Tyr4538*) have been determined to be pathogenic (Invitae). This suggests that this is a clinically significant region of the protein, and that variants that disrupt it are likely to be disease-causing. ClinVar contains an entry for this variant (Variation ID: 371043). This variant has not been reported in the literature in individuals affected with SACS-related conditions. This variant is not present in population databases (gnomAD no frequency). This sequence change creates a premature translational stop signal (p.Phe2596Leufs*29) in the SACS gene. While this is not anticipated to result in nonsense mediated decay, it is expected to disrupt the last 1984 amino acid(s) of the SACS protein.

Genome-Nilou Lab
Classification: Likely pathogenic for Charlevoix-Saguenay spastic ataxia. Last evaluated: 2021-09-05. Review status: criteria provided, single submitter. Criteria: ACMG Guidelines, 2015. Collection method: clinical testing. Allele origin: germline. Affected: no.

Counsyl
Classification: Likely pathogenic for Charlevoix-Saguenay spastic ataxia. Last evaluated: 2016-06-13. Review status: no assertion criteria provided. Collection method: clinical testing. Allele origin: unknown. Not counted in ClinVar's aggregate classification.